The following is an entry in ClinVar:

NM_000048.4(ASL):c.1193C>A (p.Ala398Asp)

Gene: ASL (argininosuccinate lyase; plus strand). Cytogenetic location: 7q11.21.
Variant type: single nucleotide variant.
Coding change: c.1193C>A on transcript NM_000048.4 (MANE Select); coding-DNA position 1193, C replaced by A.
Protein change: p.Ala398Asp; replaces alanine 398 with aspartic acid.
Molecular consequence: missense variant.
Genome position (GRCh38, 1-based): chr7:66,092,606, C>A. VCF-style: chr7-66092606-C-A. GRCh37 (hg19) VCF-style: chr7-65557593-C-A.
Other names: c.1193C>A, p.Ala398Asp (NM_001024943.2); c.1133C>A, p.Ala378Asp (NM_001024944.2); c.1115C>A, p.Ala372Asp (NM_001024946.2); short protein forms A398D, A372D, A378D.
Identifiers: ClinVar variation 1383503 (VCV001383503.12), dbSNP rs770167670, ClinGen allele CA312333.
Genomic context (GRCh38, chr7:66,092,606, plus strand): 5'-CTGGCACCCAGATGCCATTCCGCCAGGCCCACGAGGCCTCCGGGAAAGCTGTGTTCATGG[C>A]CGAGACCAAGGGGGTCGCCCTCAACCAGCTGTCACTGCAGGAGCTGCAGACCATCAGGTA-3'
Protein context (NP_000039.2, residues 388-408): HEASGKAVFM[Ala398Asp]ETKGVALNQL

ClinVar aggregate classification (germline): Pathogenic/Likely pathogenic. Review status: criteria provided, multiple submitters, no conflicts (2 of 4 stars). 4 submissions from 4 submitters: Pathogenic (2); Likely pathogenic (2). Last evaluated 2025-11-14.

Conditions:
Argininosuccinate lyase deficiency. Also called: Argininosuccinic aciduria; ARGININOSUCCINIC ACID LYASE DEFICIENCY; ASL DEFICIENCY. Identifiers: Orphanet 23, MedGen C0268547, MONDO:0008815, OMIM 207900, HP:0025630.

Allele frequency attached by ClinVar (database versions not stated): gnomAD exomes below 0.00001 and 0.00001; ExAC 0.00001.

Submissions (4):

Women's Health and Genetics/Laboratory Corporation of America, LabCorp
Classification: Pathogenic for Argininosuccinate lyase deficiency. Last evaluated: 2025-11-14. Review status: criteria provided, single submitter. Criteria: LabCorp Variant Classification Summary - May 2015. Collection method: clinical testing. Allele origin: germline.
Comment: Variant summary: ASL c.1193C>A (p.Ala398Asp) results in a non-conservative amino acid change in the encoded protein sequence. Algorithms developed to predict the effect of missense changes on protein structure and function all suggest that this variant is likely to be disruptive. The variant allele was found at a frequency of 8e-06 in 250422 control chromosomes. c.1193C>A has been observed in individuals affected with Argininosuccinic Aciduria (e.g. Linnebank_2002, Zielonka_2020, Walker_1997, Balmer_2014). These data indicate that the variant is likely to be associated with disease. At least one publication reports experimental evidence evaluating an impact on protein function. The most pronounced variant effect resulted in <10% of normal activity in vitro and in a complementation assay when tested in isolation (e.g. Yu_2001). The following publications have been ascertained in the context of this evaluation (PMID: 24166829, 12384776, 9045711, 31943503, 11747433). ClinVar contains an entry for this variant (Variation ID: 1383503). Based on the evidence outlined above, the variant was classified as pathogenic.

Fulgent Genetics
Classification: Likely pathogenic for Argininosuccinate lyase deficiency. Last evaluated: 2024-04-20. Review status: criteria provided, single submitter. Criteria: ACMG Guidelines, 2015. Collection method: clinical testing. Allele origin: germline.

Baylor Genetics
Classification: Likely pathogenic for Argininosuccinate lyase deficiency. Last evaluated: 2023-03-10. Review status: criteria provided, single submitter. Criteria: ACMG Guidelines, 2015. Collection method: clinical testing. Allele origin: unknown.

Labcorp Genetics (formerly Invitae), Labcorp
Classification: Pathogenic for Argininosuccinate lyase deficiency. Last evaluated: 2021-06-20. Review status: criteria provided, single submitter. Criteria: Invitae Variant Classification Sherloc (09022015). Collection method: clinical testing. Allele origin: germline.
Comment: This sequence change replaces alanine with aspartic acid at codon 398 of the ASL protein (p.Ala398Asp). The alanine residue is highly conserved and there is a moderate physicochemical difference between alanine and aspartic acid. This variant is present in population databases (rs770167670, ExAC 0.002%). This variant has been observed in individuals with argininosuccinate lyase deficiency (PMID: 9045711, 12384776, 31943503). Advanced modeling of protein sequence and biophysical properties (such as structural, functional, and spatial information, amino acid conservation, physicochemical variation, residue mobility, and thermodynamic stability) performed at Invitae indicates that this missense variant is expected to disrupt ASL protein function. Experimental studies have shown that this variant affects ASL protein function (PMID: 11747433, 31943503). For these reasons, this variant has been classified as Pathogenic.

Literature cited by the submitters: PubMed 24166829 (cited by Women's Health and Genetics/Laboratory Corporation of America, LabCorp); PubMed 12384776 (cited by Women's Health and Genetics/Laboratory Corporation of America, LabCorp and Labcorp Genetics (formerly Invitae), Labcorp); PubMed 31943503 (cited by Women's Health and Genetics/Laboratory Corporation of America, LabCorp and Labcorp Genetics (formerly Invitae), Labcorp); PubMed 9045711 (cited by Women's Health and Genetics/Laboratory Corporation of America, LabCorp and Labcorp Genetics (formerly Invitae), Labcorp); PubMed 11747433 (cited by Women's Health and Genetics/Laboratory Corporation of America, LabCorp and Labcorp Genetics (formerly Invitae), Labcorp).